The following is an entry in ClinVar:

ClinVar aggregate classification (germline): Uncertain significance. Review status: criteria provided, multiple submitters, no conflicts (2 of 4 stars). 2 submissions from 2 submitters: Uncertain significance (2). Last evaluated 2024-08-09.

Conditions:
Autosomal recessive nonsyndromic hearing loss 8 (DFNB8). Also called: NEUROSENSORY NONSYNDROMIC RECESSIVE DEAFNESS 8; Deafness, autosomal recessive 10. Identifiers: Orphanet 90636, MedGen C1832827, MONDO:0010987, OMIM 601072.

Submissions (2):

Institute of Medical Genetics and Applied Genomics, University Hospital Tübingen
Classification: Uncertain significance for Autosomal recessive nonsyndromic hearing loss 8. Last evaluated: 2024-08-09. Review status: criteria provided, single submitter. Criteria: ACMG Guidelines, 2015. Collection method: clinical testing. Allele origin: germline. Inheritance: Autosomal recessive inheritance. Affected: yes.

GeneDx
Classification: Uncertain significance. Last evaluated: 2023-05-15. Review status: criteria provided, single submitter. Criteria: GeneDx Variant Classification Process June 2021. Collection method: clinical testing. Allele origin: germline. Affected: yes.
Comment: Not observed at significant frequency in large population cohorts (gnomAD); In silico analysis supports that this missense variant does not alter protein structure/function; Has not been previously published as pathogenic or benign to our knowledge

NM_001256317.3(TMPRSS3):c.383T>C (p.Met128Thr)

Gene: TMPRSS3 (transmembrane serine protease 3; minus strand). Cytogenetic location: 21q22.3.
Variant type: single nucleotide variant.
Coding change: c.383T>C on transcript NM_001256317.3 (MANE Select); coding-DNA position 383, T replaced by C.
Protein change: p.Met128Thr; replaces methionine 128 with threonine.
Molecular consequence: missense variant. On other transcripts: initiator codon variant (1).
Genome position (GRCh38, 1-based): chr21:42,388,466, A>G on the plus strand (T>C on the coding strand, the complement: TMPRSS3 is on the minus strand). VCF-style: chr21-42388466-A-G. GRCh37 (hg19) VCF-style: chr21-43808575-A-G.
Other names: c.383T>C (NM_024022.2); c.383T>C, p.Met128Thr (NM_024022.4, NM_032405.2); c.2T>C, p.Met1Thr (NM_032404.3); short protein forms M128T, M1T.
Identifiers: ClinVar variation 3336608 (VCV003336608.2).